The following is an entry in ClinVar:

ClinVar aggregate classification (germline): Uncertain significance. Review status: criteria provided, multiple submitters, no conflicts (2 of 4 stars). 4 submissions from 4 submitters: Uncertain significance (4). Last evaluated 2025-07-18.

Conditions:
Cardiovascular phenotype. Identifiers: MedGen CN230736.
Hereditary cancer-predisposing syndrome. Also called: Hereditary neoplastic syndrome; Neoplastic Syndromes, Hereditary; Tumor predisposition; Hereditary Cancer Syndrome. Identifiers: Orphanet 140162, MedGen C0027672, MeSH D009386, MONDO:0015356.
Juvenile myelomonocytic leukemia (JMML). Also called: LEUKEMIA, JUVENILE MYELOMONOCYTIC, SOMATIC. Identifiers: Orphanet 86834, MedGen C0349639, MONDO:0011908, OMIM 607785, HP:0012209.
Neurofibromatosis, type 1 (NF1). Also called: VON RECKLINGHAUSEN DISEASE; Peripheral type neurofibromatosis; NEUROFIBROMATOSIS, TYPE I, SOMATIC; Neurofibromatosis, type I. Identifiers: Orphanet 636, MedGen C0027831, MONDO:0018975, OMIM 162200. Disease mechanism: loss of function.

Allele frequency attached by ClinVar (database versions not stated): TOPMed below 0.00001.

Submissions (4):

Ambry Genetics
Classification: Uncertain significance for Cardiovascular phenotype; Hereditary cancer-predisposing syndrome. Last evaluated: 2025-07-18. Review status: criteria provided, single submitter. Criteria: Ambry Variant Classification Scheme 2023. Collection method: clinical testing. Allele origin: germline.
Comment: The p.D1172G variant (also known as c.3515A>G), located in coding exon 27 of the NF1 gene, results from an A to G substitution at nucleotide position 3515. The aspartic acid at codon 1172 is replaced by glycine, an amino acid with similar properties. This amino acid position is highly conserved in available vertebrate species. In addition, this alteration is predicted to be deleterious by in silico analysis. Since supporting evidence is limited at this time, the clinical significance of this alteration remains unclear.

Labcorp Genetics (formerly Invitae), Labcorp
Classification: Uncertain significance for Neurofibromatosis, type 1. Last evaluated: 2023-12-05. Review status: criteria provided, single submitter. Criteria: Invitae Variant Classification Sherloc (09022015). Collection method: clinical testing. Allele origin: germline.
Comment: This sequence change replaces aspartic acid, which is acidic and polar, with glycine, which is neutral and non-polar, at codon 1172 of the NF1 protein (p.Asp1172Gly). This variant is not present in population databases (gnomAD no frequency). This variant has not been reported in the literature in individuals affected with NF1-related conditions. ClinVar contains an entry for this variant (Variation ID: 481985). Advanced modeling of protein sequence and biophysical properties (such as structural, functional, and spatial information, amino acid conservation, physicochemical variation, residue mobility, and thermodynamic stability) performed at Invitae indicates that this missense variant is expected to disrupt NF1 protein function with a positive predictive value of 95%. In summary, the available evidence is currently insufficient to determine the role of this variant in disease. Therefore, it has been classified as a Variant of Uncertain Significance.

Baylor Genetics
Classification: Uncertain significance for Juvenile myelomonocytic leukemia. Last evaluated: 2023-12-01. Review status: criteria provided, single submitter. Criteria: ACMG Guidelines, 2015. Collection method: clinical testing. Allele origin: unknown.

GeneDx
Classification: Uncertain significance. Last evaluated: 2022-06-10. Review status: criteria provided, single submitter. Criteria: GeneDx Variant Classification Process June 2021. Collection method: clinical testing. Allele origin: germline. Affected: yes.
Comment: Not observed at significant frequency in large population cohorts (gnomAD); In silico analysis supports that this missense variant has a deleterious effect on protein structure/function; Has not been previously published as pathogenic or benign to our knowledge; This variant is associated with the following publications: (PMID: 25486365, 2121369, 22807134)

NM_001042492.3(NF1):c.3515A>G (p.Asp1172Gly)

Gene: NF1 (neurofibromin 1; plus strand). Cytogenetic location: 17q11.2.
Variant type: single nucleotide variant.
Coding change: c.3515A>G on transcript NM_001042492.3 (MANE Select); coding-DNA position 3515, A replaced by G.
Protein change: p.Asp1172Gly; replaces aspartic acid 1172 with glycine.
Molecular consequence: missense variant.
Genome position (GRCh38, 1-based): chr17:31,233,020, A>G. VCF-style: chr17-31233020-A-G. GRCh37 (hg19) VCF-style: chr17-29560038-A-G.
Other names: c.3515A>G, p.Asp1172Gly (NM_000267.4); short protein forms D1172G.
Identifiers: ClinVar variation 481985 (VCV000481985.51), dbSNP rs1555615017, ClinGen allele CA398989726.